The following is an entry in ClinVar:

ClinVar aggregate classification (germline): Uncertain significance. Review status: criteria provided, multiple submitters, no conflicts (2 of 4 stars). 3 submissions from 3 submitters: Uncertain significance (3). Last evaluated 2025-02-08.

Conditions:
Hypopigmentation-punctate palmoplantar keratoderma syndrome. Also called: Cole disease; GUTTATE HYPOPIGMENTATION AND PUNCTATE PALMOPLANTAR KERATODERMA WITH OR WITHOUT ECTOPIC CALCIFICATION. Identifiers: Orphanet 324561, MedGen C3809781, MONDO:0014227, OMIM 615522.
Type 2 diabetes mellitus. Also called: Type II diabetes mellitus. Identifiers: MedGen C0011860, MeSH D003924, MONDO:0005148, OMIM 125853, HP:0005978.
Hypophosphatemic rickets, autosomal recessive, 2 (ARHR2). Identifiers: Orphanet 289176, MedGen C2750078, MONDO:0013219, OMIM 613312.
Arterial calcification, generalized, of infancy, 1 (GACI1). Also called: Idiopathic Infantile Arterial Calcification. Identifiers: Orphanet 51608, MedGen C4551985, MONDO:0008817, OMIM 208000.
Inherited obesity. Also called: Monogenic Obesity. Identifiers: Orphanet 77828, MedGen C4054476, MONDO:0019182, OMIM 601665.
Inborn genetic diseases. Identifiers: MedGen C0950123, MeSH D030342.

Allele frequency attached by ClinVar (database versions not stated): gnomAD 0.00001; gnomAD exomes 0.00001; TOPMed 0.00002.
gnomAD v4.1: 11 of 1,607,990 alleles (0.00068%); highest among the groups gnomAD compares: African/African-American, 0.0013%; no homozygotes.

Submissions (3):

Labcorp Genetics (formerly Invitae), Labcorp
Classification: Uncertain significance. Last evaluated: 2025-02-08. Review status: criteria provided, single submitter. Criteria: Invitae Variant Classification Sherloc (09022015). Collection method: clinical testing. Allele origin: germline.
Comment: This sequence change replaces phenylalanine, which is neutral and non-polar, with leucine, which is neutral and non-polar, at codon 346 of the ENPP1 protein (p.Phe346Leu). This variant is present in population databases (no rsID available, gnomAD 0.004%). This variant has not been reported in the literature in individuals affected with ENPP1-related conditions. ClinVar contains an entry for this variant (Variation ID: 2518086). Invitae Evidence Modeling of protein sequence and biophysical properties (such as structural, functional, and spatial information, amino acid conservation, physicochemical variation, residue mobility, and thermodynamic stability) indicates that this missense variant is not expected to disrupt ENPP1 protein function with a negative predictive value of 80%. In summary, the available evidence is currently insufficient to determine the role of this variant in disease. Therefore, it has been classified as a Variant of Uncertain Significance.

Fulgent Genetics
Classification: Uncertain significance for Type 2 diabetes mellitus; Arterial calcification, generalized, of infancy, 1; Inherited obesity; Hypophosphatemic rickets, autosomal recessive, 2; Hypopigmentation-punctate palmoplantar keratoderma syndrome. Last evaluated: 2024-05-25. Review status: criteria provided, single submitter. Criteria: ACMG Guidelines, 2015. Collection method: clinical testing. Allele origin: germline.

Ambry Genetics
Classification: Uncertain significance for Inborn genetic diseases. Last evaluated: 2023-04-20. Review status: criteria provided, single submitter. Criteria: Ambry Variant Classification Scheme 2023. Collection method: clinical testing. Allele origin: germline.

NM_006208.3(ENPP1):c.1038T>G (p.Phe346Leu)

Gene: ENPP1 (ectonucleotide pyrophosphatase/phosphodiesterase 1; plus strand). Cytogenetic location: 6q23.2.
Variant type: single nucleotide variant.
Coding change: c.1038T>G on transcript NM_006208.3 (MANE Select); coding-DNA position 1038, T replaced by G.
Protein change: p.Phe346Leu; replaces phenylalanine 346 with leucine.
Molecular consequence: missense variant.
Genome position (GRCh38, 1-based): chr6:131,864,518, T>G. VCF-style: chr6-131864518-T-G. GRCh37 (hg19) VCF-style: chr6-132185658-T-G.
Other names: short protein forms F346L.
Identifiers: ClinVar variation 2518086 (VCV002518086.6), dbSNP rs1282271247, ClinGen allele CA365671214.
Genomic context (GRCh38, chr6:131,864,518, plus strand): 5'-CCAAACAATTGTCAGCCATCTTTTATTTTTGTTTGTTCTTCATTTTAGTTCAGTACCATT[T>G]GAAGAAAGGATTTTAGCTGTTCTTCAGTGGCTACAGCTTCCTAAAGATGAAAGGTCTGTA-3'
Protein context (NP_006199.2, residues 336-356): IYKMYNGSVP[Phe346Leu]EERILAVLQW